The following is an entry in ClinVar:

ClinVar aggregate classification (germline): Benign. Review status: criteria provided, multiple submitters, no conflicts (2 of 4 stars). 2 submissions from 2 submitters: Benign (2). Last evaluated 2018-01-12.

Conditions:
Miller syndrome (POADS). Also called: GENEE-WIEDEMANN SYNDROME; Genee-Wiedemann acrofacial dysostosis. Identifiers: Orphanet 246, MedGen C0265257, MONDO:0009903, OMIM 263750.

Allele frequency attached by ClinVar (database versions not stated): TOPMed 0.04606; 1000 Genomes Project 30x 0.04794; gnomAD 0.04170 and 0.04483; 1000 Genomes Project 0.04353.

Submissions (2):

Illumina Laboratory Services, Illumina
Classification: Benign for Miller syndrome. Last evaluated: 2018-01-12. Review status: criteria provided, single submitter. Criteria: ICSL Variant Classification Criteria 13 December 2019. Collection method: clinical testing. Allele origin: germline.
Comment: This variant was observed in the ICSL laboratory as part of a predisposition screen in an ostensibly healthy population. It had not been previously curated by ICSL or reported in the Human Gene Mutation Database (HGMD: prior to June 1st, 2018), and was therefore a candidate for classification through an automated scoring system. Utilizing variant allele frequency, disease prevalence and penetrance estimates, and inheritance mode, an automated score was calculated to assess if this variant is too frequent to cause the disease. Based on the score and internal cut-off values, a variant classified as benign is not then subjected to further curation. The score for this variant resulted in a classification of benign for this disease.

Breakthrough Genomics
Classification: Benign. Review status: criteria provided, single submitter. Criteria: ACMG Guidelines, 2015. Collection method: not provided. Allele origin: germline. Inheritance: Autosomal recessive inheritance. Affected: yes.

NM_001361.5(DHODH):c.*595C>T

Gene: DHODH (dihydroorotate dehydrogenase (quinone); plus strand). Cytogenetic location: 16q22.2.
Variant type: single nucleotide variant.
Coding change: c.*595C>T on transcript NM_001361.5 (MANE Select); 595 bases downstream of the stop codon, C replaced by T.
Molecular consequence: 3 prime UTR variant.
Genome position (GRCh38, 1-based): chr16:72,024,794, C>T. VCF-style: chr16-72024794-C-T. GRCh37 (hg19) VCF-style: chr16-72058693-C-T.
Identifiers: ClinVar variation 320450 (VCV000320450.6), dbSNP rs111810095, ClinGen allele CA10644205.